The following is an entry in ClinVar:

NM_001267550.2(TTN):c.82466_82467insT (p.Trp27490fs)

Genes: TTN (titin; minus strand), TTN-AS1 (TTN antisense RNA 1; plus strand). Cytogenetic location: 2q31.2.
Variant type: Insertion.
Coding change: c.82466_82467insT on transcript NM_001267550.2 (MANE Select); coding-DNA positions 82466 to 82467, T inserted.
Protein change: p.Trp27490fs; shifts the reading frame from tryptophan 27490.
Molecular consequence: frameshift variant.
Genome position: GRCh38 VCF-style: chr2-178563665-T-TA. GRCh37 (hg19) VCF-style: chr2-179428392-T-TA.
Other names: c.77543_77544insT, p.Trp25849fs (NM_001256850.1); c.55271_55272insT, p.Trp18425fs (NM_003319.4); c.74762_74763insT, p.Trp24922fs (NM_133378.4); c.55646_55647insT, p.Trp18550fs (NM_133432.3); c.55847_55848insT, p.Trp18617fs (NM_133437.4); short protein forms W18425fs, W18550fs, W18617fs, W24922fs, W25849fs, W27490fs.
Identifiers: ClinVar variation 3026029 (VCV003026029.22), dbSNP rs2468175355, ClinGen allele CA2662128592.

ClinVar aggregate classification (germline): Likely pathogenic (1 of 4 stars; one submission).

Allele frequency attached by ClinVar (database versions not stated): gnomAD exomes below 0.00001.

Submission:

CeGaT Center for Human Genetics Tuebingen
Classification: Likely pathogenic. Last evaluated: 2024-10-01. Review status: criteria provided, single submitter. Criteria: CeGaT Center For Human Genetics Tuebingen Variant Classification Criteria Version 2. Collection method: clinical testing. Allele origin: germline. Affected: yes. Observed: 3 variant alleles.
Comment: TTN: PVS1:Strong, PM2